The following is an entry in ClinVar:

ClinVar aggregate classification (germline): Conflicting classifications of pathogenicity. Review status: criteria provided, conflicting classifications (1 of 4 stars). 3 submissions from 3 submitters: Uncertain significance (1); Likely benign (1). 1 of the submissions does not count toward it. Last evaluated 2026-01-17.

Conditions:
COL6A3-related disorder. Also called: COL6A3-related condition; COL6A3-related disorders.
Bethlem myopathy 1A. Also called: Bethlem myopathy 1; MYOPATHY, BENIGN CONGENITAL, WITH CONTRACTURES; Bethlem Muscular Dystrophy. Identifiers: Orphanet 610, MedGen CN029274, MONDO:0024530, OMIM 158810.

Allele frequency attached by ClinVar (database versions not stated): gnomAD exomes 0.00001 and 0.00002; ExAC 0.00002; gnomAD 0.00005; TOPMed 0.00005; ESP Exome Variant Server 0.00015.
gnomAD v4.1: 30 of 1,614,074 alleles (0.0019%); highest among the groups gnomAD compares: African/African-American, 0.012%; no homozygotes.

Submissions (3):

Labcorp Genetics (formerly Invitae), Labcorp
Classification: Likely benign for Bethlem myopathy 1A. Last evaluated: 2026-01-17. Review status: criteria provided, single submitter. Criteria: Invitae Variant Classification Sherloc (09022015). Collection method: clinical testing. Allele origin: germline.

Eurofins Ntd Llc (ga)
Classification: Uncertain significance. Last evaluated: 2015-08-17. Review status: criteria provided, single submitter. Criteria: EGL Classification Definitions 2015. Collection method: clinical testing. Allele origin: germline. Observed: 1 variant allele, 1 heterozygote.

PreventionGenetics, part of Exact Sciences
Classification: Likely benign for COL6A3-related condition. Last evaluated: 2022-06-08. Review status: no assertion criteria provided. Collection method: clinical testing. Allele origin: germline. Not counted in ClinVar's aggregate classification.
Comment: This variant is classified as likely benign based on ACMG/AMP sequence variant interpretation guidelines (Richards et al. 2015 PMID: 25741868, with internal and published modifications).

NM_004369.4(COL6A3):c.3555C>T (p.Ala1185=)

Gene: COL6A3 (collagen type VI alpha 3 chain; minus strand). Cytogenetic location: 2q37.3.
Variant type: single nucleotide variant.
Coding change: c.3555C>T on transcript NM_004369.4 (MANE Select); coding-DNA position 3555, C replaced by T.
Protein change: p.Ala1185=; no amino-acid change (alanine 1185 retained).
Molecular consequence: synonymous variant.
Genome position (GRCh38, 1-based): chr2:237,374,536, G>A on the plus strand (C>T on the coding strand, the complement: COL6A3 is on the minus strand). VCF-style: chr2-237374536-G-A. GRCh37 (hg19) VCF-style: chr2-238283179-G-A.
Other names: c.3555C>T (NM_004369.3); c.2334C>T, p.Ala778= (NM_057164.5); c.2937C>T, p.Ala979= (NM_057165.5, NM_057167.4); c.1734C>T, p.Ala578= (NM_057166.5).
Identifiers: ClinVar variation 282508 (VCV000282508.15), dbSNP rs373719229, ClinGen allele CA2189145.
Genomic context (GRCh38, chr2:237,374,536, plus strand): 5'-CACCCTCTCAGAGATGACCTGTTGGACGGTCCCCAGCTGGCGAAAGGTGGGAATGGCCAC[G>A]GCAAAGTCCGGGATGAAGGAGATGGTCTGCATCTCTGTGATGTCAGCGTTCCCGATGCCA-3'
Protein context (NP_004360.2, residues 1175-1195): MQTISFIPDF[Ala1185=]VAIPTFRQLG